The following is an entry in ClinVar:

NM_000169.3(GLA):c.128G>T (p.Gly43Val)

Genes: GLA (galactosidase alpha; minus strand), RPL36A-HNRNPH2 (RPL36A-HNRNPH2 readthrough; plus strand). Cytogenetic location: Xq22.1.
Variant type: single nucleotide variant.
Coding change: c.128G>T on transcript NM_000169.3 (MANE Select); coding-DNA position 128, G replaced by T.
Protein change: p.Gly43Val; replaces glycine 43 with valine.
Molecular consequence: missense variant. On other transcripts: non-coding transcript variant (3), intron variant (2).
Genome position (GRCh38, 1-based): chrX:101,407,776, C>A on the plus strand (G>T on the coding strand, the complement: GLA is on the minus strand). VCF-style: chrX-101407776-C-A. GRCh37 (hg19) VCF-style: chrX-100662764-C-A.
Other names: c.128G>T, p.Gly43Val (NM_001406747.1, NM_001406748.1, NM_001406749.1); c.301-4160C>A (NM_001199973.2); c.178-4160C>A (NM_001199974.2); short protein forms G43V.
Identifiers: ClinVar variation 928954 (VCV000928954.3), dbSNP rs1928583820, ClinGen allele CA413937161.

ClinVar aggregate classification (germline): Pathogenic. Review status: criteria provided, multiple submitters, no conflicts (2 of 4 stars). 2 submissions from 2 submitters: Pathogenic (2). Last evaluated 2026-09-08.

Conditions:
Fabry disease. Also called: Fabry's disease; ANDERSON-FABRY DISEASE; CERAMIDE TRIHEXOSIDASE DEFICIENCY; Angiokeratoma corporis diffusum; GLA DEFICIENCY; HEREDITARY DYSTOPIC LIPIDOSIS. Identifiers: Orphanet 324, MedGen C0002986, MONDO:0010526, OMIM 301500, HP:0001071. Disease mechanism: loss of function, Fabry disease is due to inactivating mutations in the X-linked GLA gene resulting in deficiency of the enzyme Alpha Galactosidase-A..

Submissions (2):

Genomenon, Inc
Classification: Pathogenic for Fabry disease. Last evaluated: 2026-09-08. Review status: criteria provided, single submitter. Criteria: Genomenon Sequence Variant Interpretation Standards - Updated. Collection method: curation. Allele origin: germline. Affected: yes.
Comment: GLA p.Gly43Val (c.128G>T) is a missense variant that changes the amino acid at codon 43 from Glycine to Valine. This variant has been observed in at least one proband with clinical features consistent with Fabry disease (PMID:38002959;20022777;39766319;24236025;25030479;12175777). The variant was found to segregate with disease in at least one affected family (PMID:38002959). At least one functional study has demonstrated a substantial alteration in protein function relative to the wild-type (PMID:27657681). This variant is located in a mutational hotspot and/or important functional domain. It is absent or not present at a significant frequency in gnomAD. In silico models predict that this variant is possibly or probably damaging. In conclusion, we classify GLA p.Gly43Val (c.128G>T) as a pathogenic variant.

Women's Health and Genetics/Laboratory Corporation of America, LabCorp
Classification: Pathogenic for Fabry disease. Last evaluated: 2019-11-11. Review status: criteria provided, single submitter. Criteria: LabCorp Variant Classification Summary - May 2015. Collection method: clinical testing. Allele origin: germline.
Comment: Variant summary: GLA c.128G>T (p.Gly43Val) results in a non-conservative amino acid change in the encoded protein sequence. Five of five in-silico tools predict a damaging effect of the variant on protein function. The variant was absent in 183430 control chromosomes. c.128G>T has been reported in the literature in at-least one individual affected with classic Fabry Disease and has been subsequently cited in numerous locus specific databases (example, Fabry Disease database) and structural prediction reports (Shabbeer_2002, Saito_2013, Riera_2015, Benjamin_2017). At least one publication reports experimental evidence evaluating an impact on protein function although the primary data was not provided (Shabbeer_2002). The most pronounced variant effect results in <10% of normal activity. No clinical diagnostic laboratories have submitted clinical-significance assessments for this variant to ClinVar after 2014. Based on the evidence outlined above, the variant was classified as pathogenic.

Literature cited by the submitters: PubMed 38002959 (cited by Genomenon, Inc); PubMed 20022777 (cited by Genomenon, Inc); PubMed 39766319 (cited by Genomenon, Inc); PubMed 24236025 (cited by Genomenon, Inc); PubMed 25030479 (cited by Genomenon, Inc); PubMed 12175777 (cited by Genomenon, Inc and Women's Health and Genetics/Laboratory Corporation of America, LabCorp); PubMed 27657681 (cited by Genomenon, Inc and Women's Health and Genetics/Laboratory Corporation of America, LabCorp); PubMed 24386359 (cited by Women's Health and Genetics/Laboratory Corporation of America, LabCorp); PubMed 25382311 (cited by Women's Health and Genetics/Laboratory Corporation of America, LabCorp).